The following is an entry in ClinVar:

NM_001966.4(EHHADH):c.1865G>A (p.Arg622His)

Gene: EHHADH (enoyl-CoA hydratase and 3-hydroxyacyl CoA dehydrogenase; minus strand). Cytogenetic location: 3q27.2.
Variant type: single nucleotide variant.
Coding change: c.1865G>A on transcript NM_001966.4 (MANE Select); coding-DNA position 1865, G replaced by A.
Protein change: p.Arg622His; replaces arginine 622 with histidine.
Molecular consequence: missense variant.
Genome position (GRCh38, 1-based): chr3:185,192,533, C>T on the plus strand (G>A on the coding strand, the complement: EHHADH is on the minus strand). VCF-style: chr3-185192533-C-T. GRCh37 (hg19) VCF-style: chr3-184910321-C-T.
Other names: c.1577G>A, p.Arg526His (NM_001166415.2); short protein forms R526H, R622H.
Identifiers: ClinVar variation 4279904 (VCV004279904.1).

ClinVar aggregate classification (germline): Uncertain significance (1 of 4 stars; one submission).

Conditions:
Fanconi renotubular syndrome 3 (FRTS3). Identifiers: MedGen C3810100, MONDO:0014275, OMIM 615605.

gnomAD v4.1: 105 of 1,614,162 alleles (0.0065%); highest among the groups gnomAD compares: African/African-American, 0.02%; no homozygotes.

Submission:

Clinical Genomics Laboratory, Washington University in St. Louis
Classification: Uncertain significance for Fanconi renotubular syndrome 3. Last evaluated: 2025-08-28. Review status: criteria provided, single submitter. Criteria: ACMG Guidelines, 2015. Collection method: clinical testing. Allele origin: germline.
Comment: The EHHADH c.1865G>A (p.Arg622His) variant, to our knowledge, has not been reported in the medical literature. The highest population minor allele frequency in the population database genome aggregation database (v.2.1.1) is 0.0093% in the European non-Finnish population. Computational predictors indicate that the variant is damaging, evidence that correlates with impact to EHHADH function. Due to limited information, the clinical significance of this variant is uncertain.